The following is an entry in ClinVar:

ClinVar aggregate classification (germline): Uncertain significance (1 of 4 stars; one submission).

Submission:

Labcorp Genetics (formerly Invitae), Labcorp
Classification: Uncertain significance. Last evaluated: 2024-06-17. Review status: criteria provided, single submitter. Criteria: Invitae Variant Classification Sherloc (09022015). Collection method: clinical testing. Allele origin: germline.
Comment: This sequence change replaces arginine, which is basic and polar, with leucine, which is neutral and non-polar, at codon 131 of the RUNX2 protein (p.Arg131Leu). This variant is not present in population databases (gnomAD no frequency). This missense change has been observed in individual(s) with RUNX2-related conditions (Invitae). Advanced modeling of protein sequence and biophysical properties (such as structural, functional, and spatial information, amino acid conservation, physicochemical variation, residue mobility, and thermodynamic stability) performed at Invitae indicates that this missense variant is expected to disrupt RUNX2 protein function with a positive predictive value of 80%. This variant disrupts the p.Arg131 amino acid residue in RUNX2. Other variant(s) that disrupt this residue have been determined to be pathogenic (PMID: 16270353, 20225274; Invitae). This suggests that this residue is clinically significant, and that variants that disrupt this residue are likely to be disease-causing. In summary, the available evidence is currently insufficient to determine the role of this variant in disease. Therefore, it has been classified as a Variant of Uncertain Significance.

Literature cited by the submitters: PubMed 16270353; PubMed 20225274.

NM_001024630.4(RUNX2):c.392G>T (p.Arg131Leu)

Gene: RUNX2 (RUNX family transcription factor 2; plus strand). Cytogenetic location: 6p21.1.
Variant type: single nucleotide variant.
Coding change: c.392G>T on transcript NM_001024630.4 (MANE Select); coding-DNA position 392, G replaced by T.
Protein change: p.Arg131Leu; replaces arginine 131 with leucine.
Molecular consequence: missense variant.
Genome position (GRCh38, 1-based): chr6:45,422,926, G>T. VCF-style: chr6-45422926-G-T. GRCh37 (hg19) VCF-style: chr6-45390663-G-T.
Other names: c.392G>T, p.Arg131Leu (NM_001015051.4); c.350G>T, p.Arg117Leu (NM_001278478.2, NM_001369405.1); short protein forms R117L, R131L.
Identifiers: ClinVar variation 3656722 (VCV003656722.2).
Genomic context (GRCh38, chr6:45,422,926, plus strand): 5'-CCGAACTCGTCCGCACCGACAGCCCCAACTTCCTGTGCTCGGTGCTGCCCTCGCACTGGC[G>T]CTGCAACAAGACCCTGCCCGTGGCCTTCAAGGTAAGAGGCTACACCGCCCCCCGCCCCCG-3'
Protein context (NP_001019801.3, residues 121-141): FLCSVLPSHW[Arg131Leu]CNKTLPVAFK